The following is an entry in ClinVar:

ClinVar aggregate classification (germline): Uncertain significance (1 of 4 stars; one submission).

Conditions:
Atrial fibrillation, familial, 11 (ATFB11). Identifiers: MedGen C3279693, MONDO:0013544, OMIM 614049.
Atrial standstill 1 (ATRST1). Also called: ATRIAL CARDIOMYOPATHY WITH HEART BLOCK; CARDIOMYOPATHY, FAMILIAL, WITH CONDUCTION DISTURBANCE; Atrial standstill, digenic (GJA5/SCN5A). Identifiers: Orphanet 1344, MedGen C4551959, MONDO:0007171, OMIM 108770.

Submission:

Labcorp Genetics (formerly Invitae), Labcorp
Classification: Uncertain significance for Atrial fibrillation, familial, 11; Atrial standstill 1. Last evaluated: 2023-08-27. Review status: criteria provided, single submitter. Criteria: Invitae Variant Classification Sherloc (09022015). Collection method: clinical testing. Allele origin: germline.
Comment: In summary, the available evidence is currently insufficient to determine the role of this variant in disease. Therefore, it has been classified as a Variant of Uncertain Significance. Advanced modeling of protein sequence and biophysical properties (such as structural, functional, and spatial information, amino acid conservation, physicochemical variation, residue mobility, and thermodynamic stability) has been performed at Invitae for this missense variant, however the output from this modeling did not meet the statistical confidence thresholds required to predict the impact of this variant on GJA5 protein function. This variant has not been reported in the literature in individuals affected with GJA5-related conditions. This variant is not present in population databases (gnomAD no frequency). This sequence change replaces leucine, which is neutral and non-polar, with phenylalanine, which is neutral and non-polar, at codon 26 of the GJA5 protein (p.Leu26Phe).

NM_181703.4(GJA5):c.76C>T (p.Leu26Phe)

Gene: GJA5 (gap junction protein alpha 5; minus strand). Cytogenetic location: 1q21.2.
Variant type: single nucleotide variant.
Coding change: c.76C>T on transcript NM_181703.4 (MANE Select); coding-DNA position 76, C replaced by T.
Protein change: p.Leu26Phe; replaces leucine 26 with phenylalanine.
Molecular consequence: missense variant.
Genome position (GRCh38, 1-based): chr1:147,759,163, G>A on the plus strand (C>T on the coding strand, the complement: GJA5 is on the minus strand). VCF-style: chr1-147759163-G-A. GRCh37 (hg19) VCF-style: chr1-147231271-G-A.
Other names: c.76C>T, p.Leu26Phe (NM_005266.7); short protein forms L26F.
Identifiers: ClinVar variation 2951306 (VCV002951306.3), dbSNP rs2524612562, ClinGen allele CA342399481.